The following is an entry in ClinVar:

NM_001003699.4(RREB1):c.4043A>C (p.Glu1348Ala)

Gene: RREB1 (ras responsive element binding protein 1; plus strand). Cytogenetic location: 6p24.3.
Variant type: single nucleotide variant.
Coding change: c.4043A>C on transcript NM_001003699.4 (MANE Select); coding-DNA position 4043, A replaced by C.
Protein change: p.Glu1348Ala; replaces glutamic acid 1348 with alanine.
Molecular consequence: missense variant. On other transcripts: intron variant (1).
Genome position (GRCh38, 1-based): chr6:7,246,493, A>C. VCF-style: chr6-7246493-A-C. GRCh37 (hg19) VCF-style: chr6-7246726-A-C.
Other names: c.3878A>C, p.Glu1293Ala (NM_001003698.4, NM_001168344.2); c.3974-2018A>C (NM_001003700.2); short protein forms E1293A, E1348A.
Identifiers: ClinVar variation 5018159 (VCV005018159.1).

ClinVar aggregate classification (germline): Uncertain significance (1 of 4 stars; one submission).

Submission:

GeneDx
Classification: Uncertain significance. Last evaluated: 2026-04-06. Review status: criteria provided, single submitter. Criteria: GeneDx Variant Classification Process June 2021. Collection method: clinical testing. Allele origin: germline.
Comment: Not observed at significant frequency in large population cohorts (gnomAD); In silico analysis supports that this missense variant has a deleterious effect on protein structure/function; Has not been previously published as pathogenic or benign to our knowledge